The following is an entry in ClinVar:

ClinVar aggregate classification (germline): Benign/Likely benign. Review status: criteria provided, multiple submitters, no conflicts (2 of 4 stars). 8 submissions from 8 submitters: Benign (2); Likely benign (6). Last evaluated 2026-06-01.

Conditions:
Hereditary cancer-predisposing syndrome. Also called: Tumor predisposition; Neoplastic Syndromes, Hereditary; Hereditary Cancer Syndrome; Hereditary neoplastic syndrome. Identifiers: Orphanet 140162, MedGen C0027672, MeSH D009386, MONDO:0015356.
Peutz-Jeghers syndrome (PJS). Also called: Peutz-Jeghers polyposis; Periorificial lentiginosis syndrome; POLYPOSIS, HAMARTOMATOUS INTESTINAL; POLYPS-AND-SPOTS SYNDROME. Identifiers: Orphanet 2869, MedGen C0031269, MeSH D010580, MONDO:0008280, OMIM 175200.

Allele frequency attached by ClinVar (database versions not stated): gnomAD 0.00001; gnomAD exomes 0.00001 and 0.00003; TOPMed 0.00002; ExAC 0.00003; 1000 Genomes Project 30x 0.00016; 1000 Genomes Project 0.00020.
gnomAD v4.1: 20 of 1,610,948 alleles (0.0012%); highest among the groups gnomAD compares: Admixed American, 0.0083%; no homozygotes.

Submissions (8):

CeGaT Center for Human Genetics Tuebingen
Classification: Likely benign. Last evaluated: 2026-06-01. Review status: criteria provided, single submitter. Criteria: CeGaT Center For Human Genetics Tuebingen Variant Classification Criteria Version 2. Collection method: clinical testing. Allele origin: germline. Affected: yes. Observed: 1 variant allele.
Comment: STK11: BP4, BP7

Labcorp Genetics (formerly Invitae), Labcorp
Classification: Likely benign for Peutz-Jeghers syndrome. Last evaluated: 2025-12-30. Review status: criteria provided, single submitter. Criteria: Invitae Variant Classification Sherloc (09022015). Collection method: clinical testing. Allele origin: germline.

Myriad Genetics, Inc.
Classification: Benign for Peutz-Jeghers syndrome. Last evaluated: 2025-03-27. Review status: criteria provided, single submitter. Criteria: Myriad Autosomal Dominant, Autosomal Recessive and X-Linked Classification Criteria (2023). Collection method: clinical testing. Allele origin: unknown.
Comment: This variant is considered benign. This variant is a silent/synonymous amino acid change and it is not expected to impact splicing.

All of Us Research Program, National Institutes of Health
Classification: Likely benign for Peutz-Jeghers syndrome. Last evaluated: 2023-12-13. Review status: criteria provided, single submitter. Criteria: ACMG Guidelines, 2015. Collection method: clinical testing. Allele origin: germline. Inheritance: Autosomal dominant inheritance. Observed: 2 variant alleles, 2 heterozygotes.
Comment: This study involves interpretation of variants in research participants for the purpose of population health screening. Participant phenotype was not available at the time of variant classification. Additional details can be found in publication PMID: 35346344, PMCID: PMC8962531

Genome-Nilou Lab
Classification: Likely benign for Peutz-Jeghers syndrome. Last evaluated: 2021-07-15. Review status: criteria provided, single submitter. Criteria: ACMG Guidelines, 2015. Collection method: clinical testing. Allele origin: germline. Affected: no.

Ambry Genetics
Classification: Likely benign for Hereditary cancer-predisposing syndrome. Last evaluated: 2015-09-16. Review status: criteria provided, single submitter. Criteria: Ambry Variant Classification Scheme 2023. Collection method: clinical testing. Allele origin: germline.

Color Diagnostics, LLC DBA Color Health
Classification: Likely benign for Hereditary cancer-predisposing syndrome. Last evaluated: 2015-06-09. Review status: criteria provided, single submitter. Criteria: ACMG Guidelines, 2015. Collection method: clinical testing. Allele origin: germline.

GeneDx
Classification: Benign. Last evaluated: 2014-09-25. Review status: criteria provided, single submitter. Criteria: GeneDx Variant Classification (06012015). Collection method: clinical testing. Allele origin: germline. Affected: yes.
Comment: This variant is considered likely benign or benign based on one or more of the following criteria: it is a conservative change, it occurs at a poorly conserved position in the protein, it is predicted to be benign by multiple in silico algorithms, and/or has population frequency not consistent with disease.

NM_000455.5(STK11):c.696C>T (p.Ser232=)

Gene: STK11 (serine/threonine kinase 11; plus strand). Cytogenetic location: 19p13.3.
Variant type: single nucleotide variant.
Coding change: c.696C>T on transcript NM_000455.5 (MANE Select); coding-DNA position 696, C replaced by T.
Protein change: p.Ser232=; no amino-acid change (serine 232 retained).
Molecular consequence: synonymous variant.
Genome position (GRCh38, 1-based): chr19:1,220,679, C>T. VCF-style: chr19-1220679-C-T. GRCh37 (hg19) VCF-style: chr19-1220678-C-T.
Other names: p.S232S:TCC>TCT.
Identifiers: ClinVar variation 182883 (VCV000182883.24), dbSNP rs566823619, ClinGen allele CA023223.